The following is an entry in ClinVar:

ClinVar aggregate classification (germline): Pathogenic (1 of 4 stars; one submission).

Conditions:
Oligodontia-cancer predisposition syndrome. Also called: TOOTH AGENESIS-COLORECTAL CANCER SYNDROME. Identifiers: Orphanet 300576, MedGen C1837750, MONDO:0012075, OMIM 608615. Disease mechanism: loss of function.

Submission:

Labcorp Genetics (formerly Invitae), Labcorp
Classification: Pathogenic for Oligodontia-cancer predisposition syndrome. Last evaluated: 2024-04-22. Review status: criteria provided, single submitter. Criteria: Invitae Variant Classification Sherloc (09022015). Collection method: clinical testing. Allele origin: germline.
Comment: This sequence change creates a premature translational stop signal (p.Arg675Leufs*14) in the AXIN2 gene. It is expected to result in an absent or disrupted protein product. Loss-of-function variants in AXIN2 are known to be pathogenic (PMID: 15042511, 21416598). This variant is not present in population databases (gnomAD no frequency). This variant has not been reported in the literature in individuals affected with AXIN2-related conditions. For these reasons, this variant has been classified as Pathogenic.

Literature cited by the submitters: PubMed 15042511; PubMed 21416598.

NM_004655.4(AXIN2):c.2024del (p.Arg675fs)

Gene: AXIN2 (axin 2; minus strand). Cytogenetic location: 17q24.1.
Variant type: Deletion.
Coding change: c.2024del on transcript NM_004655.4 (MANE Select); coding-DNA position 2024, one base deleted (G; older notation c.2024delG).
Protein change: p.Arg675fs; shifts the reading frame from arginine 675.
Molecular consequence: frameshift variant.
Genome position (GRCh38, 1-based): chr17:65,536,437, C deleted on the plus strand (G on the coding strand, the reverse complement: AXIN2 is on the minus strand). VCF-style (leftmost placement, unchanged base first): chr17-65536436-AC-A. GRCh37 (hg19) VCF-style: chr17-63532554-AC-A.
Other names: c.1829del, p.Arg610fs (NM_001363813.1); short protein forms R610fs, R675fs.
Identifiers: ClinVar variation 3650528 (VCV003650528.2).
Genomic context (GRCh38, chr17:65,536,436, plus strand): 5'-AGCCAGCGTGTTGGGTGGGGTCAGGGGAGGCATCGCAGGGTCCTGGGTGAACAGGTGGGC[AC>A]GGGGGGTGGTGCGGGGGTGCCCGCTGTTGCCCCCCCACAGATGGTGCCGGCTGGCTCGTT-3'